The following is an entry in ClinVar:

ClinVar aggregate classification (germline): Likely benign. Review status: criteria provided, multiple submitters, no conflicts (2 of 4 stars). 5 submissions from 5 submitters: Likely benign (5). Last evaluated 2026-01-25.

Conditions:
Long QT syndrome (LQTS). Identifiers: MedGen C0023976, MeSH D008133, MONDO:0002442. Disease mechanism: loss of function. Inheritance: Various modes of inheritance.
Cardiovascular phenotype. Identifiers: MedGen CN230736.
Cardiac arrhythmia. Also called: Cardiac rhythm disease; Arrhythmia. Identifiers: MedGen C0003811, MONDO:0007263, HP:0011675.

Allele frequency attached by ClinVar (database versions not stated): gnomAD exomes 0.00002 and 0.00008; ExAC 0.00005; TOPMed 0.00007; gnomAD 0.00002; ESP Exome Variant Server 0.00008.
gnomAD v4.1: 29 of 1,593,420 alleles (0.0018%); highest among the groups gnomAD compares: East Asian, 0.027%; no homozygotes.

Submissions (5):

Labcorp Genetics (formerly Invitae), Labcorp
Classification: Likely benign for Long QT syndrome. Last evaluated: 2026-01-25. Review status: criteria provided, single submitter. Criteria: Invitae Variant Classification Sherloc (09022015). Collection method: clinical testing. Allele origin: germline.

All of Us Research Program, National Institutes of Health
Classification: Likely benign for Long QT syndrome. Last evaluated: 2023-12-07. Review status: criteria provided, single submitter. Criteria: ACMG Guidelines, 2015. Collection method: clinical testing. Allele origin: germline. Inheritance: Autosomal dominant inheritance. Observed: 8 variant alleles, 8 heterozygotes.
Comment: This study involves interpretation of variants in research participants for the purpose of population health screening. Participant phenotype was not available at the time of variant classification. Additional details can be found in publication PMID: 35346344, PMCID: PMC8962531

Ambry Genetics
Classification: Likely benign for Cardiovascular phenotype. Last evaluated: 2020-04-30. Review status: criteria provided, single submitter. Criteria: Ambry Variant Classification Scheme 2023. Collection method: clinical testing. Allele origin: germline.

Color Diagnostics, LLC DBA Color Health
Classification: Likely benign for Arrhythmia. Last evaluated: 2018-03-08. Review status: criteria provided, single submitter. Criteria: ACMG Guidelines, 2015. Collection method: clinical testing. Allele origin: germline.

GeneDx
Classification: Likely benign. Last evaluated: 2016-07-26. Review status: criteria provided, single submitter. Criteria: GeneDx Variant Classification (06012015). Collection method: clinical testing. Allele origin: germline. Affected: yes.
Comment: This variant is considered likely benign or benign based on one or more of the following criteria: it is a conservative change, it occurs at a poorly conserved position in the protein, it is predicted to be benign by multiple in silico algorithms, and/or has population frequency not consistent with disease.

NM_000238.4(KCNH2):c.1602C>T (p.Arg534=)

Gene: KCNH2 (potassium voltage-gated channel subfamily H member 2; minus strand). Cytogenetic location: 7q36.1.
Variant type: single nucleotide variant.
Coding change: c.1602C>T on transcript NM_000238.4 (MANE Select); coding-DNA position 1602, C replaced by T.
Protein change: p.Arg534=; no amino-acid change (arginine 534 retained).
Molecular consequence: synonymous variant. On other transcripts: non-coding transcript variant (2).
Genome position (GRCh38, 1-based): chr7:150,951,791, G>A on the plus strand (C>T on the coding strand, the complement: KCNH2 is on the minus strand). VCF-style: chr7-150951791-G-A. GRCh37 (hg19) VCF-style: chr7-150648879-G-A.
Other names: c.582C>T, p.Arg194= (NM_001204798.2, NM_172057.3); c.1314C>T, p.Arg438= (NM_001406753.1, NM_001406756.1); c.1425C>T, p.Arg475= (NM_001406755.1); c.1302C>T, p.Arg434= (NM_001406757.1); c.1602C>T, p.Arg534= (NM_172056.3).
Identifiers: ClinVar variation 387852 (VCV000387852.19), dbSNP rs369102529, ClinGen allele CA028890.